The following is an entry in ClinVar:

ClinVar aggregate classification (germline): Uncertain significance (1 of 4 stars; one submission).

Conditions:
Autosomal recessive spinocerebellar ataxia 12. Also called: SPINOCEREBELLAR ATAXIA WITH MENTAL RETARDATION AND EPILEPSY. Identifiers: Orphanet 284282, MedGen C3280452, MONDO:0013687, OMIM 614322.
Developmental and epileptic encephalopathy, 1 (DEE1). Also called: INFANTILE SPASM SYNDROME, X-LINKED 1; X-linked infantile spasms; West's syndrome; Tonic spasms with clustering, arrest of psychomotor development and hypsarrhythmia on EEG; X-Linked Infantile Spasm Syndrome; OHTAHARA SYNDROME, X-LINKED. Identifiers: MedGen C3463992, MONDO:0010632, OMIM 308350. Disease mechanism: loss of function.

gnomAD v4.1: 5 of 1,613,626 alleles (0.00031%); highest among the groups gnomAD compares: Admixed American, 0.0017%; no homozygotes.

Submission:

Labcorp Genetics (formerly Invitae), Labcorp
Classification: Uncertain significance for Developmental and epileptic encephalopathy, 1; Autosomal recessive spinocerebellar ataxia 12. Last evaluated: 2025-10-23. Review status: criteria provided, single submitter. Criteria: Invitae Variant Classification Sherloc (09022015). Collection method: clinical testing. Allele origin: germline.
Comment: This sequence change replaces histidine, which is basic and polar, with arginine, which is basic and polar, at codon 263 of the WWOX protein (p.His263Arg). This variant is not present in population databases (gnomAD no frequency). This variant has not been reported in the literature in individuals affected with WWOX-related conditions. Invitae Evidence Modeling of protein sequence and biophysical properties (such as structural, functional, and spatial information, amino acid conservation, physicochemical variation, residue mobility, and thermodynamic stability) indicates that this missense variant is expected to disrupt WWOX protein function with a positive predictive value of 80%. In summary, the available evidence is currently insufficient to determine the role of this variant in disease. Therefore, it has been classified as a Variant of Uncertain Significance.

NM_016373.4(WWOX):c.788A>G (p.His263Arg)

Gene: WWOX (WW domain containing oxidoreductase; plus strand). Cytogenetic location: 16q23.1.
Variant type: single nucleotide variant.
Coding change: c.788A>G on transcript NM_016373.4 (MANE Select); coding-DNA position 788, A replaced by G.
Protein change: p.His263Arg; replaces histidine 263 with arginine.
Molecular consequence: missense variant.
Genome position (GRCh38, 1-based): chr16:78,425,052, A>G. VCF-style: chr16-78425052-A-G. GRCh37 (hg19) VCF-style: chr16-78458949-A-G.
Other names: c.449A>G, p.His150Arg (NM_001291997.2); short protein forms H150R, H263R.
Identifiers: ClinVar variation 4794076 (VCV004794076.1).